The following is an entry in ClinVar:

NM_015047.3(EMC1):c.1696C>G (p.Pro566Ala)

Genes: EMC1 (ER membrane protein complex subunit 1; minus strand), EMC1-AS1 (EMC1 antisense RNA 1; plus strand). Cytogenetic location: 1p36.13.
Variant type: single nucleotide variant.
Coding change: c.1696C>G on transcript NM_015047.3 (MANE Select); coding-DNA position 1696, C replaced by G.
Protein change: p.Pro566Ala; replaces proline 566 with alanine.
Molecular consequence: missense variant.
Genome position (GRCh38, 1-based): chr1:19,232,710, G>C on the plus strand (C>G on the coding strand, the complement: EMC1 is on the minus strand). VCF-style: chr1-19232710-G-C. GRCh37 (hg19) VCF-style: chr1-19559204-G-C.
Other names: c.1693C>G, p.Pro565Ala (NM_001271427.2, NM_001271428.2); c.1630C>G, p.Pro544Ala (NM_001271429.2); c.1705C>G, p.Pro569Ala (NM_001375820.1); c.1702C>G, p.Pro568Ala (NM_001375821.1); short protein forms P544A, P568A, P569A, P566A, P565A.
Identifiers: ClinVar variation 2866120 (VCV002866120.3), dbSNP rs2536730587, ClinGen allele CA338760965.

ClinVar aggregate classification (germline): Uncertain significance (1 of 4 stars; one submission).

Submission:

Labcorp Genetics (formerly Invitae), Labcorp
Classification: Uncertain significance. Last evaluated: 2023-05-20. Review status: criteria provided, single submitter. Criteria: Invitae Variant Classification Sherloc (09022015). Collection method: clinical testing. Allele origin: germline.
Comment: This sequence change replaces proline, which is neutral and non-polar, with alanine, which is neutral and non-polar, at codon 566 of the EMC1 protein (p.Pro566Ala). This variant is not present in population databases (gnomAD no frequency). This variant has not been reported in the literature in individuals affected with EMC1-related conditions. Advanced modeling of protein sequence and biophysical properties (such as structural, functional, and spatial information, amino acid conservation, physicochemical variation, residue mobility, and thermodynamic stability) performed at Invitae indicates that this missense variant is not expected to disrupt EMC1 protein function. In summary, the available evidence is currently insufficient to determine the role of this variant in disease. Therefore, it has been classified as a Variant of Uncertain Significance.